The following is an entry in ClinVar:

ClinVar aggregate classification (germline): Uncertain significance (1 of 4 stars; one submission).

Conditions:
Agammaglobulinemia 2, autosomal recessive (AGM2). Also called: AGAMMAGLOBULINEMIA, AUTOSOMAL RECESSIVE, DUE TO IGLL1 DEFECT. Identifiers: MedGen C3150750, MONDO:0013287, OMIM 613500.

Submission:

Labcorp Genetics (formerly Invitae), Labcorp
Classification: Uncertain significance for Agammaglobulinemia 2, autosomal recessive. Last evaluated: 2023-11-27. Review status: criteria provided, single submitter. Criteria: Invitae Variant Classification Sherloc (09022015). Collection method: clinical testing. Allele origin: germline.
Comment: This variant is a gross deletion of the genomic region encompassing exon(s) 1-2 of the IGLL1 gene, which includes the initiator codon. This deletion extends beyond the assayed region for this gene and therefore may encompass additional genes. It is expected to result in an absent or disrupted protein product. However, the current clinical and genetic evidence is not sufficient to establish whether loss-of-function variants in IGLL1 cause disease. This variant has not been reported in the literature in individuals affected with IGLL1-related conditions. In summary, the available evidence is currently insufficient to determine the role of this variant in disease. Therefore, it has been classified as a Variant of Uncertain Significance.

NC_000022.10:g.(?_23917134)_(23922377_?)del

Gene: IGLL1 (immunoglobulin lambda like polypeptide 1; minus strand). Cytogenetic location: 22q11.23.
Variant type: Deletion.
Identifiers: ClinVar variation 1440008 (VCV001440008.5).